The following is an entry in ClinVar:

NM_000512.5(GALNS):c.1078G>A (p.Asp360Asn)

Gene: GALNS (galactosamine (N-acetyl)-6-sulfatase; minus strand). Cytogenetic location: 16q24.3.
Variant type: single nucleotide variant.
Coding change: c.1078G>A on transcript NM_000512.5 (MANE Select); coding-DNA position 1078, G replaced by A.
Protein change: p.Asp360Asn; replaces aspartic acid 360 with asparagine.
Molecular consequence: missense variant.
Genome position (GRCh38, 1-based): chr16:88,826,763, C>T on the plus strand (G>A on the coding strand, the complement: GALNS is on the minus strand). VCF-style: chr16-88826763-C-T. GRCh37 (hg19) VCF-style: chr16-88893171-C-T.
Other names: c.523G>A, p.Asp175Asn (NM_001323543.2); c.1096G>A, p.Asp366Asn (NM_001323544.2); short protein forms D175N, D360N, D366N.
Identifiers: ClinVar variation 884855 (VCV000884855.5), dbSNP rs202031547, ClinGen allele CA8234830.

ClinVar aggregate classification (germline): Uncertain significance. Review status: criteria provided, multiple submitters, no conflicts (2 of 4 stars). 2 submissions from 2 submitters: Uncertain significance (2). Last evaluated 2022-07-15.

Conditions:
Mucopolysaccharidosis, MPS-IV-A (MPS4A). Also called: MPS IVA; Morquio syndrome A, mild; GALACTOSAMINE-6-SULFATASE DEFICIENCY; GALNS DEFICIENCY; MORQUIO A DISEASE; Mucopolysaccharidosis type IV A. Identifiers: Orphanet 309297, Orphanet 582, MedGen C0086651, MONDO:0009659, OMIM 253000.

Allele frequency attached by ClinVar (database versions not stated): ESP Exome Variant Server 0.00008; TOPMed 0.00012; gnomAD exomes 0.00018; ExAC 0.00020.

Submissions (2):

Labcorp Genetics (formerly Invitae), Labcorp
Classification: Uncertain significance for Mucopolysaccharidosis, MPS-IV-A. Last evaluated: 2022-07-15. Review status: criteria provided, single submitter. Criteria: Invitae Variant Classification Sherloc (09022015). Collection method: clinical testing. Allele origin: germline.
Comment: This sequence change replaces aspartic acid, which is acidic and polar, with asparagine, which is neutral and polar, at codon 360 of the GALNS protein (p.Asp360Asn). This variant is present in population databases (rs202031547, gnomAD 0.2%). This variant has not been reported in the literature in individuals affected with GALNS-related conditions. ClinVar contains an entry for this variant (Variation ID: 884855). Algorithms developed to predict the effect of missense changes on protein structure and function (SIFT, PolyPhen-2, Align-GVGD) all suggest that this variant is likely to be tolerated. In summary, the available evidence is currently insufficient to determine the role of this variant in disease. Therefore, it has been classified as a Variant of Uncertain Significance.

Illumina Laboratory Services, Illumina
Classification: Uncertain significance for Mucopolysaccharidosis, MPS-IV-A. Last evaluated: 2018-01-13. Review status: criteria provided, single submitter. Criteria: ICSL Variant Classification Criteria 13 December 2019. Collection method: clinical testing. Allele origin: germline.